The following is an entry in ClinVar:

NM_001618.4(PARP1):c.2593A>C (p.Arg865=)

Gene: PARP1 (poly(ADP-ribose) polymerase 1; minus strand). Cytogenetic location: 1q42.12.
Variant type: single nucleotide variant.
Coding change: c.2593A>C on transcript NM_001618.4 (MANE Select); coding-DNA position 2593, A replaced by C.
Protein change: p.Arg865=; no amino-acid change (arginine 865 retained).
Molecular consequence: synonymous variant.
Genome position (GRCh38, 1-based): chr1:226,365,067, T>G on the plus strand (A>C on the coding strand, the complement: PARP1 is on the minus strand). VCF-style: chr1-226365067-T-G. GRCh37 (hg19) VCF-style: chr1-226552768-T-G.
Identifiers: ClinVar variation 3040063 (VCV003040063.2), dbSNP rs1293883896, ClinGen allele CA423515623.

ClinVar aggregate classification (germline): Likely benign (0 of 4 stars; one submission).

Conditions:
PARP1-related disorder. Also called: PARP1-related condition.

Allele frequency attached by ClinVar (database versions not stated): gnomAD 0.00001; TOPMed 0.00002.

Submission:

PreventionGenetics, part of Exact Sciences
Classification: Likely benign for PARP1-related condition. Last evaluated: 2019-09-22. Review status: no assertion criteria provided. Collection method: clinical testing. Allele origin: germline.
Comment: This variant is classified as likely benign based on ACMG/AMP sequence variant interpretation guidelines (Richards et al. 2015 PMID: 25741868, with internal and published modifications).